The following is an entry in ClinVar:

ClinVar aggregate classification (germline): Benign/Likely benign. Review status: criteria provided, single submitter (1 of 4 stars). 3 submissions from 1 submitter: Benign (1); Likely benign (2). Last evaluated 2018-01-13.

Conditions:
Gastrointestinal stromal tumor. Also called: Gastrointestinal stroma tumor; Gastrointestinal stromal tumor, somatic. Identifiers: Orphanet 44890, MedGen C0238198, MeSH D046152, MONDO:0011719, OMIM 606764, HP:0100723.
Piebaldism. Also called: Piebald skin depigmentation. Identifiers: Orphanet 2884, MedGen C0080024, MONDO:0008244, OMIM 172800, HP:0007544.
Mastocytosis. Also called: Mast Cell Disease. Identifiers: Orphanet 98292, MedGen C0024899, MONDO:0007950, HP:0100495.

Allele frequency attached by ClinVar (database versions not stated): 1000 Genomes Project 0.00300; 1000 Genomes Project 30x 0.00344; TOPMed 0.00473; gnomAD 0.00542 and 0.00555; gnomAD exomes 0.00590.
gnomAD v4.1: 1,303 of 233,124 alleles (0.56%); highest among the groups gnomAD compares: Non-Finnish European, 0.84%; 4 homozygotes.

Submissions (3):

Illumina Laboratory Services, Illumina
Classification: Likely benign for Gastrointestinal stromal tumor. Last evaluated: 2018-01-13. Review status: criteria provided, single submitter. Criteria: ICSL Variant Classification Criteria 13 December 2019. Collection method: clinical testing. Allele origin: germline.
Comment: This variant was observed in the ICSL laboratory as part of a predisposition screen in an ostensibly healthy population. It had not been previously curated by ICSL or reported in the Human Gene Mutation Database (HGMD: prior to June 1st, 2018), and was therefore a candidate for classification through an automated scoring system. Utilizing variant allele frequency, disease prevalence and penetrance estimates, and inheritance mode, an automated score was calculated to assess if this variant is too frequent to cause the disease. Based on the score and internal cut-off values, a variant classified as likely benign is not then subjected to further curation. The score for this variant resulted in a classification of likely benign for this disease.

Illumina Laboratory Services, Illumina
Classification: Benign for Cutaneous mastocytosis. Last evaluated: 2018-01-13. Review status: criteria provided, single submitter. Criteria: ICSL Variant Classification Criteria 13 December 2019. Collection method: clinical testing. Allele origin: germline.
Comment: This variant was observed in the ICSL laboratory as part of a predisposition screen in an ostensibly healthy population. It had not been previously curated by ICSL or reported in the Human Gene Mutation Database (HGMD: prior to June 1st, 2018), and was therefore a candidate for classification through an automated scoring system. Utilizing variant allele frequency, disease prevalence and penetrance estimates, and inheritance mode, an automated score was calculated to assess if this variant is too frequent to cause the disease. Based on the score and internal cut-off values, a variant classified as benign is not then subjected to further curation. The score for this variant resulted in a classification of benign for this disease.

Illumina Laboratory Services, Illumina
Classification: Likely benign for Piebaldism. Last evaluated: 2018-01-13. Review status: criteria provided, single submitter. Criteria: ICSL Variant Classification Criteria 13 December 2019. Collection method: clinical testing. Allele origin: germline.
Comment: the same text as in the submission from Illumina Laboratory Services, Illumina above.

NM_000222.3(KIT):c.*2017T>C

Gene: KIT (KIT proto-oncogene, receptor tyrosine kinase; plus strand). Cytogenetic location: 4q12.
Variant type: single nucleotide variant.
Coding change: c.*2017T>C on transcript NM_000222.3 (MANE Select); 2017 bases downstream of the stop codon, T replaced by C.
Molecular consequence: 3 prime UTR variant.
Genome position (GRCh38, 1-based): chr4:54,740,574, T>C. VCF-style: chr4-54740574-T-C. GRCh37 (hg19) VCF-style: chr4-55606740-T-C.
Other names: c.*2017T>C (NM_001093772.2, NM_001385284.1, NM_001385285.1 and 4 more transcripts).
Identifiers: ClinVar variation 902287 (VCV000902287.4), dbSNP rs115028437, ClinGen allele CA96885351.